The following is an entry in ClinVar:

NM_000382.3(ALDH3A2):c.292C>T (p.Gln98Ter)

Gene: ALDH3A2 (aldehyde dehydrogenase 3 family member A2; plus strand). Cytogenetic location: 17p11.2.
Variant type: single nucleotide variant.
Coding change: c.292C>T on transcript NM_000382.3 (MANE Select); coding-DNA position 292, C replaced by T.
Protein change: p.Gln98Ter; replaces glutamine 98 with a stop codon.
Molecular consequence: nonsense. On other transcripts: 5 prime UTR variant (1).
Genome position (GRCh38, 1-based): chr17:19,651,685, C>T. VCF-style: chr17-19651685-C-T. GRCh37 (hg19) VCF-style: chr17-19554998-C-T.
Other names: c.292C>T, p.Gln98Ter (NM_001031806.2, NM_001369136.1, NM_001369137.2 and 3 more transcripts); c.-397C>T (NM_001369148.2); c.292C>T (NM_000382.2); short protein forms Q98*.
Identifiers: ClinVar variation 2102212 (VCV002102212.6), dbSNP rs2544357385, ClinGen allele CA398702179.
Genomic context (GRCh38, chr17:19,651,685, plus strand): 5'-TGGGTTACTGCTAAACCAGTTAAGAAGAACGTGCTCACCATGCTGGATGAGGCCTATATT[C>T]AGCCACAGCCTCTGGGAGTGGTGCTGATAATCGGAGCTTGGAATTACCCCTTCGTTCTCA-3'

ClinVar aggregate classification (germline): Pathogenic. Review status: criteria provided, multiple submitters, no conflicts (2 of 4 stars). 2 submissions from 2 submitters: Pathogenic (2). Last evaluated 2024-10-03.

Conditions:
Sjögren-Larsson syndrome (SLS). Also called: FALDH DEFICIENCY; FATTY ALCOHOL:NAD+ OXIDOREDUCTASE DEFICIENCY; FATTY ALDEHYDE DEHYDROGENASE DEFICIENCY; ICHTHYOSIS, SPASTIC NEUROLOGIC DISORDER, AND OLIGOPHRENIA. Identifiers: Orphanet 816, MedGen C0037231, MONDO:0010031, OMIM 270200.

Allele frequency attached by ClinVar (database versions not stated): gnomAD exomes 0.00001.
gnomAD v4.1: 17 of 1,614,222 alleles (0.0011%); highest among the groups gnomAD compares: Non-Finnish European, 0.0014%; no homozygotes.

Submissions (2):

Natera, Inc.
Classification: Pathogenic for Sjögren-Larsson syndrome. Last evaluated: 2024-10-03. Review status: criteria provided, single submitter. Criteria: Natera Variant Classification Schema (03/2026). Collection method: clinical testing. Allele origin: germline.
Comment: The c.292C>T variant in ALDH3A2 is a nonsense variant predicted to introduce a stop codon at amino acid 98. This variant is expected to result in nonsense mediated decay, truncation, or a dysfunctional protein product. This variant is rare in the general population with a frequency below the threshold expected for the associated phenotype(s). This variant has been observed in one or more individuals affected with the associated recessive disease, as either homozygous or compound heterozygous with a second variant (PMID: 19124283). Given the available evidence, this variant is classified as Pathogenic.

Labcorp Genetics (formerly Invitae), Labcorp
Classification: Pathogenic. Last evaluated: 2022-02-22. Review status: criteria provided, single submitter. Criteria: Invitae Variant Classification Sherloc (09022015). Collection method: clinical testing. Allele origin: germline.
Comment: This sequence change creates a premature translational stop signal (p.Gln98*) in the ALDH3A2 gene. It is expected to result in an absent or disrupted protein product. Loss-of-function variants in ALDH3A2 are known to be pathogenic (PMID: 10577908, 10854114). This variant is not present in population databases (gnomAD no frequency). This premature translational stop signal has been observed in individual(s) with Sjogren-Larsson syndrome (PMID: 19124283). Algorithms developed to predict the effect of sequence changes on RNA splicing suggest that this variant may disrupt the consensus splice site. For these reasons, this variant has been classified as Pathogenic.

Literature cited by the submitters: PubMed 19124283 (cited by Natera, Inc. and Labcorp Genetics (formerly Invitae), Labcorp); PubMed 10577908 (cited by Labcorp Genetics (formerly Invitae), Labcorp); PubMed 10854114 (cited by Labcorp Genetics (formerly Invitae), Labcorp).